The following is an entry in ClinVar:

NM_194248.3(OTOF):c.2924C>T (p.Ala975Val)

Gene: OTOF (otoferlin; minus strand). Cytogenetic location: 2p23.3.
Variant type: single nucleotide variant.
Coding change: c.2924C>T on transcript NM_194248.3 (MANE Select); coding-DNA position 2924, C replaced by T.
Protein change: p.Ala975Val; replaces alanine 975 with valine.
Molecular consequence: missense variant.
Genome position (GRCh38, 1-based): chr2:26,475,981, G>A on the plus strand (C>T on the coding strand, the complement: OTOF is on the minus strand). VCF-style: chr2-26475981-G-A. GRCh37 (hg19) VCF-style: chr2-26698849-G-A.
Other names: c.2924C>T, p.Ala975Val (NM_001287489.2); c.683C>T, p.Ala228Val (NM_004802.4, NM_194323.3); c.854C>T, p.Ala285Val (NM_194322.3); short protein forms A285V, A975V, A228V.
Identifiers: ClinVar variation 1470520 (VCV001470520.3), dbSNP rs909276883, ClinGen allele CA44397837.

ClinVar aggregate classification (germline): Uncertain significance (1 of 4 stars; one submission).

Allele frequency attached by ClinVar (database versions not stated): gnomAD exomes below 0.00001; TOPMed 0.00001.
gnomAD v4.1: 1 of 1,612,660 alleles (0.000062%); highest among the groups gnomAD compares: Non-Finnish European, 0.000085%; no homozygotes.

Submission:

Labcorp Genetics (formerly Invitae), Labcorp
Classification: Uncertain significance. Last evaluated: 2022-07-06. Review status: criteria provided, single submitter. Criteria: Invitae Variant Classification Sherloc (09022015). Collection method: clinical testing. Allele origin: germline.
Comment: This sequence change replaces alanine, which is neutral and non-polar, with valine, which is neutral and non-polar, at codon 975 of the OTOF protein (p.Ala975Val). This variant is not present in population databases (gnomAD no frequency). This variant has not been reported in the literature in individuals affected with OTOF-related conditions. ClinVar contains an entry for this variant (Variation ID: 1470520). Algorithms developed to predict the effect of missense changes on protein structure and function (SIFT, PolyPhen-2, Align-GVGD) all suggest that this variant is likely to be disruptive. In summary, the available evidence is currently insufficient to determine the role of this variant in disease. Therefore, it has been classified as a Variant of Uncertain Significance.